The following is an entry in ClinVar:

ClinVar aggregate classification (germline): Uncertain significance (1 of 4 stars; one submission).

Allele frequency attached by ClinVar (database versions not stated): gnomAD exomes below 0.00001.
gnomAD v4.1: 4 of 1,609,926 alleles (0.00025%); highest among the groups gnomAD compares: Non-Finnish European, 0.00034%; no homozygotes.

Submission:

Labcorp Genetics (formerly Invitae), Labcorp
Classification: Uncertain significance. Last evaluated: 2023-11-27. Review status: criteria provided, single submitter. Criteria: Invitae Variant Classification Sherloc (09022015). Collection method: clinical testing. Allele origin: germline.
Comment: This sequence change replaces isoleucine, which is neutral and non-polar, with valine, which is neutral and non-polar, at codon 586 of the WDR62 protein (p.Ile586Val). This variant is not present in population databases (gnomAD no frequency). This variant has not been reported in the literature in individuals affected with WDR62-related conditions. ClinVar contains an entry for this variant (Variation ID: 1904072). Advanced modeling of protein sequence and biophysical properties (such as structural, functional, and spatial information, amino acid conservation, physicochemical variation, residue mobility, and thermodynamic stability) performed at Invitae indicates that this missense variant is not expected to disrupt WDR62 protein function with a negative predictive value of 80%. In summary, the available evidence is currently insufficient to determine the role of this variant in disease. Therefore, it has been classified as a Variant of Uncertain Significance.

NM_001083961.2(WDR62):c.1756A>G (p.Ile586Val)

Gene: WDR62 (WD repeat domain 62; plus strand). Cytogenetic location: 19q13.12.
Variant type: single nucleotide variant.
Coding change: c.1756A>G on transcript NM_001083961.2 (MANE Select); coding-DNA position 1756, A replaced by G.
Protein change: p.Ile586Val; replaces isoleucine 586 with valine.
Molecular consequence: missense variant.
Genome position (GRCh38, 1-based): chr19:36,086,800, A>G. VCF-style: chr19-36086800-A-G. GRCh37 (hg19) VCF-style: chr19-36577702-A-G.
Other names: c.1741A>G, p.Ile581Val (NM_001411145.1); c.1756A>G, p.Ile586Val (NM_001411146.1, NM_173636.5); c.1405A>G, p.Ile469Val (NM_001411147.1); short protein forms I469V, I581V, I586V.
Identifiers: ClinVar variation 1904072 (VCV001904072.5), dbSNP rs944120502, ClinGen allele CA307869984.